The following is an entry in ClinVar:

ClinVar aggregate classification (germline): Uncertain significance (1 of 4 stars; one submission).

Conditions:
Growth hormone insensitivity with immune dysregulation 1, autosomal recessive. Also called: LARON SYNDROME DUE TO POSTRECEPTOR DEFECT; GROWTH HORMONE INSENSITIVITY SYNDROME WITH IMMUNE DYSREGULATION 1, AUTOSOMAL RECESSIVE; GROWTH HORMONE INSENSITIVITY DUE TO POSTRECEPTOR DEFECT; Laron syndrome with immunodeficiency. Identifiers: Orphanet 220465, MedGen C5435698, MONDO:0100211, OMIM 245590.

Submission:

Labcorp Genetics (formerly Invitae), Labcorp
Classification: Uncertain significance for Growth hormone insensitivity with immune dysregulation 1, autosomal recessive. Last evaluated: 2018-12-27. Review status: criteria provided, single submitter. Criteria: Invitae Variant Classification Sherloc (09022015). Collection method: clinical testing. Allele origin: germline.
Comment: This sequence change replaces serine with asparagine at codon 449 of the STAT5B protein (p.Ser449Asn). The serine residue is highly conserved and there is a small physicochemical difference between serine and asparagine. This variant is not present in population databases (ExAC no frequency). This variant has not been reported in the literature in individuals with STAT5B-related conditions. Algorithms developed to predict the effect of missense changes on protein structure and function are either unavailable or do not agree on the potential impact of this missense change (SIFT: "Deleterious"; PolyPhen-2: "Benign"; Align-GVGD: "Class C0"). In summary, the available evidence is currently insufficient to determine the role of this variant in disease. Therefore, it has been classified as a Variant of Uncertain Significance.

NM_012448.4(STAT5B):c.1346G>A (p.Ser449Asn)

Gene: STAT5B (signal transducer and activator of transcription 5B; minus strand). Cytogenetic location: 17q21.2.
Variant type: single nucleotide variant.
Coding change: c.1346G>A on transcript NM_012448.4 (MANE Select); coding-DNA position 1346, G replaced by A.
Protein change: p.Ser449Asn; replaces serine 449 with asparagine.
Molecular consequence: missense variant.
Genome position (GRCh38, 1-based): chr17:42,217,194, C>T on the plus strand (G>A on the coding strand, the complement: STAT5B is on the minus strand). VCF-style: chr17-42217194-C-T. GRCh37 (hg19) VCF-style: chr17-40369212-C-T.
Other names: short protein forms S449N.
Identifiers: ClinVar variation 649182 (VCV000649182.9), dbSNP rs1598301952, ClinGen allele CA399581059.